The following is an entry in ClinVar:

NM_001987.5(ETV6):c.818T>C (p.Ile273Thr)

Gene: ETV6 (ETS variant transcription factor 6; plus strand). Cytogenetic location: 12p13.2.
Variant type: single nucleotide variant.
Coding change: c.818T>C on transcript NM_001987.5 (MANE Select); coding-DNA position 818, T replaced by C.
Protein change: p.Ile273Thr; replaces isoleucine 273 with threonine.
Molecular consequence: missense variant.
Genome position (GRCh38, 1-based): chr12:11,869,778, T>C. VCF-style: chr12-11869778-T-C. GRCh37 (hg19) VCF-style: chr12-12022712-T-C.
Other names: c.815T>C, p.Ile272Thr (NM_001413913.1); c.791T>C, p.Ile264Thr (NM_001413914.1); c.554T>C, p.Ile185Thr (NM_001413915.1); c.818T>C, p.Ile273Thr (NM_001413916.1, NM_001413917.1); short protein forms I185T, I264T, I272T, I273T.
Identifiers: ClinVar variation 2662676 (VCV002662676.1), dbSNP rs1167708892, ClinGen allele CA384044021.

ClinVar aggregate classification (germline): Uncertain significance (1 of 4 stars; one submission).

Allele frequency attached by ClinVar (database versions not stated): TOPMed below 0.00001; gnomAD exomes 0.00001.
gnomAD v4.1: 9 of 1,613,258 alleles (0.00056%); highest among the groups gnomAD compares: Non-Finnish European, 0.00076%; no homozygotes.

Submission:

GeneDx
Classification: Uncertain significance. Last evaluated: 2023-04-20. Review status: criteria provided, single submitter. Criteria: GeneDx Variant Classification Process June 2021. Collection method: clinical testing. Allele origin: germline. Affected: yes.
Comment: Not observed at significant frequency in large population cohorts (gnomAD); In silico analysis supports that this missense variant does not alter protein structure/function; Has not been previously published as pathogenic or benign to our knowledge; This variant is associated with the following publications: (PMID: 28555414, 28637624)